The following is an entry in ClinVar:

ClinVar aggregate classification (germline): Likely benign. Review status: criteria provided, multiple submitters, no conflicts (2 of 4 stars). 3 submissions from 3 submitters: Likely benign (3). Last evaluated 2025-08-01.

Allele frequency attached by ClinVar (database versions not stated): gnomAD exomes 0.00002; gnomAD 0.00003; TOPMed 0.00003; ExAC 0.00006.
gnomAD v4.1: 39 of 1,602,534 alleles (0.0024%); highest among the groups gnomAD compares: African/African-American, 0.008%; no homozygotes.

Submissions (3):

CeGaT Center for Human Genetics Tuebingen
Classification: Likely benign. Last evaluated: 2025-08-01. Review status: criteria provided, single submitter. Criteria: CeGaT Center For Human Genetics Tuebingen Variant Classification Criteria Version 2. Collection method: clinical testing. Allele origin: germline. Affected: yes. Observed: 2 variant alleles.
Comment: CACNA1E: BS2

Labcorp Genetics (formerly Invitae), Labcorp
Classification: Likely benign. Last evaluated: 2025-05-27. Review status: criteria provided, single submitter. Criteria: Invitae Variant Classification Sherloc (09022015). Collection method: clinical testing. Allele origin: germline.

Blueprint Genetics
Classification: Likely benign. Last evaluated: 2024-09-15. Review status: criteria provided, single submitter. Criteria: ACMG Guidelines, 2015. Collection method: clinical testing. Allele origin: germline.

NM_001205293.3(CACNA1E):c.6863G>A (p.Arg2288His)

Gene: CACNA1E (calcium voltage-gated channel subunit alpha1 E; plus strand). Cytogenetic location: 1q25.3.
Variant type: single nucleotide variant.
Coding change: c.6863G>A on transcript NM_001205293.3 (MANE Select); coding-DNA position 6863, G replaced by A.
Protein change: p.Arg2288His; replaces arginine 2288 with histidine.
Molecular consequence: missense variant.
Genome position (GRCh38, 1-based): chr1:181,798,755, G>A. VCF-style: chr1-181798755-G-A. GRCh37 (hg19) VCF-style: chr1-181767891-G-A.
Other names: c.6734G>A, p.Arg2245His (NM_000721.4); c.6677G>A, p.Arg2226His (NM_001205294.2); short protein forms R2226H, R2288H, R2245H.
Identifiers: ClinVar variation 2083041 (VCV002083041.29), dbSNP rs764706217, ClinGen allele CA1276512.
Genomic context (GRCh38, chr1:181,798,755, plus strand): 5'-CAGCCCCACCCCTGCGGCATAGCTGGCAGATGCCCAACGGGCACTATCGGCGGCGGAGGC[G>A]CGGGGGGCCTGGGCCAGGCATGATGTGTGGGGCTGTCAACAACCTGCTAAGTGACACGGA-3'
Protein context (NP_001192222.1, residues 2278-2298): MPNGHYRRRR[Arg2288His]GGPGPGMMCG